The following is an entry in ClinVar:

NM_004035.7(ACOX1):c.616A>G (p.Ile206Val)

Gene: ACOX1 (acyl-CoA oxidase 1; minus strand). Cytogenetic location: 17q25.1.
Variant type: single nucleotide variant.
Coding change: c.616A>G on transcript NM_004035.7 (MANE Select); coding-DNA position 616, A replaced by G.
Protein change: p.Ile206Val; replaces isoleucine 206 with valine.
Molecular consequence: missense variant.
Genome position (GRCh38, 1-based): chr17:75,955,870, T>C on the plus strand (A>G on the coding strand, the complement: ACOX1 is on the minus strand). VCF-style: chr17-75955870-T-C. GRCh37 (hg19) VCF-style: chr17-73951951-T-C.
Other names: c.616A>G (NM_004035.6); c.502A>G, p.Ile168Val (NM_001185039.2); c.616A>G, p.Ile206Val (NM_007292.6); short protein forms I206V, I168V.
Identifiers: ClinVar variation 2198244 (VCV002198244.5), dbSNP rs199572141, ClinGen allele CA8776976.

ClinVar aggregate classification (germline): Uncertain significance. Review status: criteria provided, multiple submitters, no conflicts (2 of 4 stars). 2 submissions from 2 submitters: Uncertain significance (2). Last evaluated 2025-09-16.

Conditions:
Inborn genetic diseases. Identifiers: MedGen C0950123, MeSH D030342.
Acyl-CoA oxidase deficiency. Also called: Peroxisomal acyl-CoA oxidase deficiency; STRAIGHT-CHAIN ACYL-CoA OXIDASE DEFICIENCY; Pseudoneonatal adrenoleukodystrophy. Identifiers: Orphanet 2971, MedGen C1849678, MONDO:0009919, OMIM 264470. Disease mechanism: loss of function.

Allele frequency attached by ClinVar (database versions not stated): ExAC 0.00005; gnomAD 0.00005; TOPMed 0.00007; ESP Exome Variant Server 0.00008.
gnomAD v4.1: 258 of 1,614,030 alleles (0.016%); highest among the groups gnomAD compares: Non-Finnish European, 0.022%; no homozygotes.

Submissions (2):

Labcorp Genetics (formerly Invitae), Labcorp
Classification: Uncertain significance for Acyl-CoA oxidase deficiency. Last evaluated: 2025-09-16. Review status: criteria provided, single submitter. Criteria: Invitae Variant Classification Sherloc (09022015). Collection method: clinical testing. Allele origin: germline.
Comment: This sequence change replaces isoleucine, which is neutral and non-polar, with valine, which is neutral and non-polar, at codon 206 of the ACOX1 protein (p.Ile206Val). This variant is present in population databases (rs199572141, gnomAD 0.007%). This variant has not been reported in the literature in individuals affected with ACOX1-related conditions. ClinVar contains an entry for this variant (Variation ID: 2198244). Invitae Evidence Modeling of protein sequence and biophysical properties (such as structural, functional, and spatial information, amino acid conservation, physicochemical variation, residue mobility, and thermodynamic stability) indicates that this missense variant is not expected to disrupt ACOX1 protein function with a negative predictive value of 80%. In summary, the available evidence is currently insufficient to determine the role of this variant in disease. Therefore, it has been classified as a Variant of Uncertain Significance.

Ambry Genetics
Classification: Uncertain significance for Inborn genetic diseases. Last evaluated: 2023-05-08. Review status: criteria provided, single submitter. Criteria: Ambry Variant Classification Scheme 2023. Collection method: clinical testing. Allele origin: germline.